The following is an entry in ClinVar:

NM_001105206.3(LAMA4):c.1510G>A (p.Asp504Asn)

Gene: LAMA4 (laminin subunit alpha 4; minus strand). Cytogenetic location: 6q21.
Variant type: single nucleotide variant.
Coding change: c.1510G>A on transcript NM_001105206.3 (MANE Select); coding-DNA position 1510, G replaced by A.
Protein change: p.Asp504Asn; replaces aspartic acid 504 with asparagine.
Molecular consequence: missense variant.
Genome position (GRCh38, 1-based): chr6:112,172,652, C>T on the plus strand (G>A on the coding strand, the complement: LAMA4 is on the minus strand). VCF-style: chr6-112172652-C-T. GRCh37 (hg19) VCF-style: chr6-112493854-C-T.
Other names: c.1489G>A, p.Asp497Asn (NM_001105207.3, NM_002290.5); short protein forms D504N, D497N.
Identifiers: ClinVar variation 935967 (VCV000935967.9), dbSNP rs1781786297, ClinGen allele CA365370561.

ClinVar aggregate classification (germline): Uncertain significance (1 of 4 stars; one submission).

Conditions:
Dilated cardiomyopathy 1JJ (CMD1JJ). Identifiers: Orphanet 154, MedGen C3808935, MONDO:0014095, OMIM 615235.

Submission:

Labcorp Genetics (formerly Invitae), Labcorp
Classification: Uncertain significance for Dilated cardiomyopathy 1JJ. Last evaluated: 2022-10-18. Review status: criteria provided, single submitter. Criteria: Invitae Variant Classification Sherloc (09022015). Collection method: clinical testing. Allele origin: germline.
Comment: This variant has not been reported in the literature in individuals affected with LAMA4-related conditions. ClinVar contains an entry for this variant (Variation ID: 935967). Algorithms developed to predict the effect of missense changes on protein structure and function are either unavailable or do not agree on the potential impact of this missense change (SIFT: "Tolerated"; PolyPhen-2: "Possibly Damaging"; Align-GVGD: "Class C0"). In summary, the available evidence is currently insufficient to determine the role of this variant in disease. Therefore, it has been classified as a Variant of Uncertain Significance. This variant is not present in population databases (gnomAD no frequency). This sequence change replaces aspartic acid, which is acidic and polar, with asparagine, which is neutral and polar, at codon 497 of the LAMA4 protein (p.Asp497Asn).